The following is an entry in ClinVar:

NM_194454.3(KRIT1):c.2023A>T (p.Lys675Ter)

Gene: KRIT1 (KRIT1 ankyrin repeat containing; minus strand). Cytogenetic location: 7q21.2.
Variant type: single nucleotide variant.
Coding change: c.2023A>T on transcript NM_194454.3 (MANE Select); coding-DNA position 2023, A replaced by T.
Protein change: p.Lys675Ter; replaces lysine 675 with a stop codon.
Molecular consequence: nonsense.
Genome position (GRCh38, 1-based): chr7:92,213,197, T>A on the plus strand (A>T on the coding strand, the complement: KRIT1 is on the minus strand). VCF-style: chr7-92213197-T-A. GRCh37 (hg19) VCF-style: chr7-91842511-T-A.
Other names: c.2023A>T, p.Lys675Ter (NM_001350687.1, NM_001350688.1, NM_001350689.1 and 26 more transcripts); c.1879A>T, p.Lys627Ter (NM_001013406.2, NM_001350669.1, NM_001350670.1); c.1309A>T, p.Lys437Ter (NM_001350671.1); short protein forms K437*, K627*, K675*.
Identifiers: ClinVar variation 4733341 (VCV004733341.1).

ClinVar aggregate classification (germline): Pathogenic (1 of 4 stars; one submission).

Conditions:
Cerebral cavernous malformation (CCM). Also called: Cerebral cavernous malformations; Cavernous Hemangioma of Brain; Cerebral cavernous hemangioma (type); CAVERNOUS ANGIOMA, FAMILIAL; CAVERNOUS ANGIOMATOUS MALFORMATIONS; CEREBRAL CAPILLARY MALFORMATIONS. Identifiers: Orphanet 221061, MedGen C2919945, MONDO:0000820, OMIM 116860, HP:0033522.

Submission:

Labcorp Genetics (formerly Invitae), Labcorp
Classification: Pathogenic for Cerebral cavernous malformation. Last evaluated: 2025-12-15. Review status: criteria provided, single submitter. Criteria: Invitae Variant Classification Sherloc (09022015). Collection method: clinical testing. Allele origin: germline.
Comment: This sequence change creates a premature translational stop signal (p.Lys675*) in the KRIT1 gene. It is expected to result in an absent or disrupted protein product. Loss-of-function variants in KRIT1 are known to be pathogenic (PMID: 10508515, 11222804, 12404106, 24689081). This variant is not present in population databases (gnomAD no frequency). This variant has not been reported in the literature in individuals affected with KRIT1-related conditions. Algorithms developed to predict the effect of sequence changes on RNA splicing suggest that this variant may disrupt the consensus splice site. For these reasons, this variant has been classified as Pathogenic.

Literature cited by the submitters: PubMed 10508515; PubMed 11222804; PubMed 12404106; PubMed 24689081.